The following is an entry in ClinVar:

NM_032043.3(BRIP1):c.1188T>C (p.His396=)

Gene: BRIP1 (BRCA1 interacting DNA helicase 1; minus strand). Cytogenetic location: 17q23.2.
Variant type: single nucleotide variant.
Coding change: c.1188T>C on transcript NM_032043.3 (MANE Select); coding-DNA position 1188, T replaced by C.
Protein change: p.His396=; no amino-acid change (histidine 396 retained).
Molecular consequence: synonymous variant.
Genome position (GRCh38, 1-based): chr17:61,799,252, A>G on the plus strand (T>C on the coding strand, the complement: BRIP1 is on the minus strand). VCF-style: chr17-61799252-A-G. GRCh37 (hg19) VCF-style: chr17-59876613-A-G.
Identifiers: ClinVar variation 491403 (VCV000491403.15), dbSNP rs1555607189, ClinGen allele CA501151601.

ClinVar aggregate classification (germline): Benign/Likely benign. Review status: criteria provided, multiple submitters, no conflicts (2 of 4 stars). 4 submissions from 4 submitters: Benign (1); Likely benign (3). Last evaluated 2024-08-26.

Conditions:
Hereditary cancer-predisposing syndrome. Also called: Tumor predisposition; Neoplastic Syndromes, Hereditary; Hereditary Cancer Syndrome; Hereditary neoplastic syndrome. Identifiers: Orphanet 140162, MedGen C0027672, MeSH D009386, MONDO:0015356.
Fanconi anemia complementation group J. Also called: BRIP1-Related Fanconi Anemia. Identifiers: Orphanet 84, MedGen C1836860, MONDO:0012187, OMIM 609054.
Familial cancer of breast. Also called: BREAST CANCER, FAMILIAL; hereditary breast carcinoma; Hereditary breast cancer. Identifiers: Orphanet 227535, MedGen C0346153, MONDO:0016419, OMIM 114480. Disease mechanism: loss of function.

Submissions (4):

Myriad Genetics, Inc.
Classification: Benign for Familial cancer of breast. Last evaluated: 2024-08-26. Review status: criteria provided, single submitter. Criteria: Myriad Autosomal Dominant, Autosomal Recessive and X-Linked Classification Criteria (2023). Collection method: clinical testing. Allele origin: unknown.
Comment: This variant is considered benign. This variant is a silent/synonymous amino acid change and it is not expected to impact splicing.

Labcorp Genetics (formerly Invitae), Labcorp
Classification: Likely benign for Familial cancer of breast; Fanconi anemia complementation group J. Last evaluated: 2024-02-23. Review status: criteria provided, single submitter. Criteria: Invitae Variant Classification Sherloc (09022015). Collection method: clinical testing. Allele origin: germline.

Ambry Genetics
Classification: Likely benign for Hereditary cancer-predisposing syndrome. Last evaluated: 2020-07-13. Review status: criteria provided, single submitter. Criteria: Ambry Variant Classification Scheme 2023. Collection method: clinical testing. Allele origin: germline.

Color Diagnostics, LLC DBA Color Health
Classification: Likely benign for Hereditary cancer-predisposing syndrome. Last evaluated: 2017-10-20. Review status: criteria provided, single submitter. Criteria: ACMG Guidelines, 2015. Collection method: clinical testing. Allele origin: germline.